The following is an entry in ClinVar:

NM_001792.5(CDH2):c.602G>A (p.Gly201Glu)

Gene: CDH2 (cadherin 2; minus strand). Cytogenetic location: 18q12.1.
Variant type: single nucleotide variant.
Coding change: c.602G>A on transcript NM_001792.5 (MANE Select); coding-DNA position 602, G replaced by A.
Protein change: p.Gly201Glu; replaces glycine 201 with glutamic acid.
Molecular consequence: missense variant.
Genome position (GRCh38, 1-based): chr18:28,009,817, C>T on the plus strand (G>A on the coding strand, the complement: CDH2 is on the minus strand). VCF-style: chr18-28009817-C-T. GRCh37 (hg19) VCF-style: chr18-25589781-C-T.
Other names: c.602G>A (NM_001792.4); c.509G>A, p.Gly170Glu (NM_001308176.2); short protein forms G170E, G201E.
Identifiers: ClinVar variation 1404384 (VCV001404384.11), dbSNP rs2144028853, ClinGen allele CA402243597.

ClinVar aggregate classification (germline): Uncertain significance. Review status: criteria provided, multiple submitters, no conflicts (2 of 4 stars). 3 submissions from 3 submitters: Uncertain significance (2). 1 of the submissions does not count toward it. Last evaluated 2026-08-01.

Conditions:
CDH2-related disorder. Also called: CDH2-related condition.

Submissions (3):

CeGaT Center for Human Genetics Tuebingen
Classification: Uncertain significance. Last evaluated: 2026-08-01. Review status: criteria provided, single submitter. Criteria: CeGaT Center For Human Genetics Tuebingen Variant Classification Criteria Version 2. Collection method: clinical testing. Allele origin: germline. Affected: yes. Observed: 1 variant allele.
Comment: CDH2: PM2, PP3

Labcorp Genetics (formerly Invitae), Labcorp
Classification: Uncertain significance. Last evaluated: 2021-05-05. Review status: criteria provided, single submitter. Criteria: Invitae Variant Classification Sherloc (09022015). Collection method: clinical testing. Allele origin: germline.
Comment: This sequence change replaces glycine with glutamic acid at codon 201 of the CDH2 protein (p.Gly201Glu). The glycine residue is highly conserved and there is a moderate physicochemical difference between glycine and glutamic acid. This variant is not present in population databases (ExAC no frequency). This variant has not been reported in the literature in individuals with CDH2-related conditions. Algorithms developed to predict the effect of missense changes on protein structure and function are either unavailable or do not agree on the potential impact of this missense change (SIFT: "Deleterious"; PolyPhen-2: "Probably Damaging"; Align-GVGD: "Class C0"). In summary, the available evidence is currently insufficient to determine the role of this variant in disease. Therefore, it has been classified as a Variant of Uncertain Significance.

PreventionGenetics, part of Exact Sciences
Classification: Uncertain significance for CDH2-related condition. Last evaluated: 2024-01-02. Review status: no assertion criteria provided. Collection method: clinical testing. Allele origin: germline. Not counted in ClinVar's aggregate classification.
Comment: The CDH2 c.602G>A variant is predicted to result in the amino acid substitution p.Gly201Glu. To our knowledge, this variant has not been reported in the literature or in a large population database, indicating this variant is rare. At this time, the clinical significance of this variant is uncertain due to the absence of conclusive functional and genetic evidence.